The following is an entry in ClinVar:

ClinVar aggregate classification (germline): Uncertain significance (1 of 4 stars; one submission).

gnomAD v4.1: 6 of 1,496,574 alleles (0.0004%); highest among the groups gnomAD compares: South Asian, 0.0037%; no homozygotes.

Submission:

Labcorp Genetics (formerly Invitae), Labcorp
Classification: Uncertain significance. Last evaluated: 2025-10-21. Review status: criteria provided, single submitter. Criteria: Invitae Variant Classification Sherloc (09022015). Collection method: clinical testing. Allele origin: germline.
Comment: This sequence change replaces arginine, which is basic and polar, with lysine, which is basic and polar, at codon 351 of the AMH protein (p.Arg351Lys). This variant is present in population databases (no rsID available, gnomAD 0.06%). This variant has not been reported in the literature in individuals affected with AMH-related conditions. An algorithm developed to predict the effect of missense changes on protein structure and function (PolyPhen-2) suggests that this variant is likely to be tolerated. In summary, the available evidence is currently insufficient to determine the role of this variant in disease. Therefore, it has been classified as a Variant of Uncertain Significance.

NM_000479.5(AMH):c.1052G>A (p.Arg351Lys)

Gene: AMH (anti-Mullerian hormone; plus strand). Cytogenetic location: 19p13.3.
Variant type: single nucleotide variant.
Coding change: c.1052G>A on transcript NM_000479.5 (MANE Select); coding-DNA position 1052, G replaced by A.
Protein change: p.Arg351Lys; replaces arginine 351 with lysine.
Molecular consequence: missense variant.
Genome position (GRCh38, 1-based): chr19:2,251,326, G>A. VCF-style: chr19-2251326-G-A. GRCh37 (hg19) VCF-style: chr19-2251325-G-A.
Other names: short protein forms R351K.
Identifiers: ClinVar variation 4695655 (VCV004695655.1).
Genomic context (GRCh38, chr19:2,251,326, plus strand): 5'-CGGACCCCGCGGCGCTGGAGCGCCTACTCGACGGCGAGGAGCCGCTGCTGCTGCTGCTGA[G>A]GCCCACTGCGGCCACCACCGGGGATCCTGCGCCCCTGCACGACCCCACGTCGGCGCCGTG-3'
Protein context (NP_000470.3, residues 341-361): DGEEPLLLLL[Arg351Lys]PTAATTGDPA